The following is an entry in ClinVar:

NM_001297595.2(SIN3B):c.2617G>A (p.Val873Ile)

Gene: SIN3B (SIN3 transcription regulator family member B; plus strand). Cytogenetic location: 19p13.11.
Variant type: single nucleotide variant.
Coding change: c.2617G>A on transcript NM_001297595.2 (MANE Select); coding-DNA position 2617, G replaced by A.
Protein change: p.Val873Ile; replaces valine 873 with isoleucine.
Molecular consequence: missense variant.
Genome position (GRCh38, 1-based): chr19:16,876,079, G>A. VCF-style: chr19-16876079-G-A. GRCh37 (hg19) VCF-style: chr19-16986890-G-A.
Other names: c.1387G>A, p.Val463Ile (NM_001297597.2); c.2713G>A, p.Val905Ile (NM_015260.4); short protein forms V905I, V873I, V463I.
Identifiers: ClinVar variation 2052874 (VCV002052874.6), dbSNP rs143316883, ClinGen allele CA9283512.

ClinVar aggregate classification (germline): Uncertain significance. Review status: criteria provided, multiple submitters, no conflicts (2 of 4 stars). 2 submissions from 2 submitters: Uncertain significance (2). Last evaluated 2024-12-12.

Allele frequency attached by ClinVar (database versions not stated): TOPMed 0.00001; gnomAD 0.00001; ESP Exome Variant Server 0.00008; ExAC 0.00012.
gnomAD v4.1: 30 of 1,577,070 alleles (0.0019%); highest among the groups gnomAD compares: Non-Finnish European, 0.0026%; no homozygotes.

Submissions (2):

Ambry Genetics
Classification: Uncertain significance. Last evaluated: 2024-12-12. Review status: criteria provided, single submitter. Criteria: Ambry Variant Classification Scheme 2023. Collection method: clinical testing. Allele origin: germline.

Labcorp Genetics (formerly Invitae), Labcorp
Classification: Uncertain significance. Last evaluated: 2022-07-28. Review status: criteria provided, single submitter. Criteria: Invitae Variant Classification Sherloc (09022015). Collection method: clinical testing. Allele origin: germline.
Comment: In summary, the available evidence is currently insufficient to determine the role of this variant in disease. Therefore, it has been classified as a Variant of Uncertain Significance. This sequence change replaces valine, which is neutral and non-polar, with isoleucine, which is neutral and non-polar, at codon 905 of the SIN3B protein (p.Val905Ile). This variant is present in population databases (rs143316883, gnomAD 0.009%). This variant has not been reported in the literature in individuals affected with SIN3B-related conditions. Algorithms developed to predict the effect of missense changes on protein structure and function output the following: SIFT: "Tolerated"; PolyPhen-2: "Benign"; Align-GVGD: "Class C0". The isoleucine amino acid residue is found in multiple mammalian species, which suggests that this missense change does not adversely affect protein function.